The following is an entry in ClinVar:

NM_004423.4(DVL3):c.523A>G (p.Ser175Gly)

Gene: DVL3 (dishevelled segment polarity protein 3; plus strand). Cytogenetic location: 3q27.1.
Variant type: single nucleotide variant.
Coding change: c.523A>G on transcript NM_004423.4 (MANE Select); coding-DNA position 523, A replaced by G.
Protein change: p.Ser175Gly; replaces serine 175 with glycine.
Molecular consequence: missense variant.
Genome position (GRCh38, 1-based): chr3:184,164,855, A>G. VCF-style: chr3-184164855-A-G. GRCh37 (hg19) VCF-style: chr3-183882643-A-G.
Other names: short protein forms S175G.
Identifiers: ClinVar variation 781844 (VCV000781844.17), dbSNP rs149103009, ClinGen allele CA2727126.

ClinVar aggregate classification (germline): Likely benign. Review status: criteria provided, multiple submitters, no conflicts (2 of 4 stars). 2 submissions from 2 submitters: Likely benign (2). Last evaluated 2026-01-04.

Allele frequency attached by ClinVar (database versions not stated): ESP Exome Variant Server 0.00008; ExAC 0.00015; 1000 Genomes Project 30x 0.00016; 1000 Genomes Project 0.00020; gnomAD exomes 0.00023; gnomAD 0.00027 and 0.00028; TOPMed 0.00028.
gnomAD v4.1: 372 of 1,614,208 alleles (0.023%); highest among the groups gnomAD compares: Admixed American, 0.12%; 1 homozygote.

Submissions (2):

Labcorp Genetics (formerly Invitae), Labcorp
Classification: Likely benign. Last evaluated: 2026-01-04. Review status: criteria provided, single submitter. Criteria: Invitae Variant Classification Sherloc (09022015). Collection method: clinical testing. Allele origin: germline.

CeGaT Center for Human Genetics Tuebingen
Classification: Likely benign. Last evaluated: 2025-07-01. Review status: criteria provided, single submitter. Criteria: CeGaT Center For Human Genetics Tuebingen Variant Classification Criteria Version 2. Collection method: clinical testing. Allele origin: germline. Affected: yes. Observed: 1 variant allele.
Comment: DVL3: BS2